The following is an entry in ClinVar:

NM_198129.4(LAMA3):c.7738del (p.Thr2580fs)

Gene: LAMA3 (laminin subunit alpha 3; plus strand). Cytogenetic location: 18q11.2.
Variant type: Deletion.
Coding change: c.7738del on transcript NM_198129.4 (MANE Select); coding-DNA position 7738, one base deleted (A; older notation c.7738delA).
Protein change: p.Thr2580fs; shifts the reading frame from threonine 2580.
Molecular consequence: frameshift variant.
Genome position (GRCh38, 1-based): chr18:23,915,382, A deleted; the last of 7 consecutive A bases (chr18:23,915,376-23,915,382); deleting any one gives the same sequence. VCF-style (leftmost placement, unchanged base first): chr18-23915375-CA-C. GRCh37 (hg19) VCF-style: chr18-21495339-CA-C.
Other names: c.2911del, p.Thr971fs (NM_000227.6); c.7570del, p.Thr2524fs (NM_001127717.4); c.2743del, p.Thr915fs (NM_001127718.4); short protein forms T2580fs, T971fs, T915fs, T2524fs.
Identifiers: ClinVar variation 1371125 (VCV001371125.6), dbSNP rs2145251876, ClinGen allele CA645600359.
Genomic context (GRCh38, chr18:23,915,375, plus strand): 5'-ATACAAAGGTTGTATTGAATTAGATGACCTCAATGAAAATGTTCTGAGCTTGTACAACTT[CA>C]AAAAAACATTCAATCTCAACACAACTGAAGTGGAGCCTTGTAGAAGGTAAATAAAATGTA-3'

ClinVar aggregate classification (germline): Pathogenic (1 of 4 stars; one submission).

Submission:

Labcorp Genetics (formerly Invitae), Labcorp
Classification: Pathogenic. Last evaluated: 2022-07-12. Review status: criteria provided, single submitter. Criteria: Invitae Variant Classification Sherloc (09022015). Collection method: clinical testing. Allele origin: germline.
Comment: For these reasons, this variant has been classified as Pathogenic. ClinVar contains an entry for this variant (Variation ID: 1371125). This variant has not been reported in the literature in individuals affected with LAMA3-related conditions. This variant is not present in population databases (gnomAD no frequency). This sequence change creates a premature translational stop signal (p.Thr971Hisfs*68) in the LAMA3 gene. It is expected to result in an absent or disrupted protein product. Loss-of-function variants in LAMA3 are known to be pathogenic (PMID: 10366601, 11810295, 12915477, 16473856, 17362460, 22434185, 23869449, 27827380, 28087116).

Literature cited by the submitters: PubMed 10366601; PubMed 11810295; PubMed 12915477; PubMed 16473856; PubMed 17362460; PubMed 22434185; PubMed 23869449; PubMed 27827380; PubMed 28087116.